The following is an entry in ClinVar:

NM_004937.3(CTNS):c.124G>A (p.Val42Ile)

Gene: CTNS (cystinosin, lysosomal cystine transporter; plus strand). Cytogenetic location: 17p13.2.
Variant type: single nucleotide variant.
Coding change: c.124G>A on transcript NM_004937.3 (MANE Select); coding-DNA position 124, G replaced by A.
Protein change: p.Val42Ile; replaces valine 42 with isoleucine.
Molecular consequence: missense variant. On other transcripts: 5 prime UTR variant (3), intron variant (1).
Genome position (GRCh38, 1-based): chr17:3,647,506, G>A. VCF-style: chr17-3647506-G-A. GRCh37 (hg19) VCF-style: chr17-3550800-G-A.
Other names: c.124G>A, p.Val42Ile (NM_001031681.3, NM_001374492.1); c.-233G>A (NM_001374493.1, NM_001374496.1); c.-318G>A (NM_001374494.1); c.-217+7239G>A (NM_001374495.1); c.124G>A (NM_001031681.2); short protein forms V42I.
Identifiers: ClinVar variation 4447 (VCV000004447.30), dbSNP rs35086888, ClinGen allele CA116857.
Genomic context (GRCh38, chr17:3,647,506, plus strand): 5'-TCAAGCGTCAGCCTCACTGTTCCTCCTGTCGTAAAGCTGGAGAACGGCAGCTCGACCAAC[G>A]TCAGCCTCACCCTGCGGTAAGTTCCTGGGCCTGGCGCTGTGCTCAGCTCCGCTCAGGCCC-3'
Protein context (NP_004928.2, residues 32-52): VKLENGSSTN[Val42Ile]SLTLRPPLNA

ClinVar aggregate classification (germline): Benign/Likely benign. Review status: criteria provided, multiple submitters, no conflicts (2 of 4 stars). 15 submissions from 14 submitters: Benign (5); Likely benign (5). 5 of the submissions do not count toward it. Last evaluated 2026-02-01.

Conditions:
CTNS-related disorder. Also called: CTNS-related condition.
Cystinosis. Also called: Cystine diathesis; Cystine storage disease; Cystinoses. Identifiers: Orphanet 213, MedGen C4316899, MONDO:0016239.
Inborn genetic diseases. Identifiers: MedGen C0950123, MeSH D030342.
Ocular cystinosis. Also called: Non-Nephropathic (Ocular) Cystinosis; Non-Nephropathic Cystinosis. Identifiers: Orphanet 213, Orphanet 411641, MedGen C2931013, MONDO:0009064, OMIM 219750.
Juvenile nephropathic cystinosis. Also called: CYSTINOSIS, LATE-ONSET JUVENILE OR ADOLESCENT NEPHROPATHIC TYPE; Intermediate Cystinosis; Later-Onset (Juvenile) Cystinosis. Identifiers: Orphanet 213, Orphanet 411634, MedGen C0268626, MONDO:0009066, OMIM 219900.
Cystinosis, atypical nephropathic. Identifiers: MedGen C2749685.
Nephropathic cystinosis (CTNS). Also called: Abderhalden Lignac Kaufmann disease; Abderhalden-Kaufmann-Lignac syndrome; CYSTINOSIN, DEFECT OF; LYSOSOMAL CYSTINE TRANSPORT PROTEIN, DEFECT OF. Identifiers: Orphanet 213, Orphanet 411629, MedGen C2931187, MONDO:0100151, OMIM 219800.

Allele frequency attached by ClinVar (database versions not stated): gnomAD exomes 0.00444 and 0.00175; gnomAD 0.01867 and 0.01724; TOPMed 0.01938; ExAC 0.00545; 1000 Genomes Project 0.01757; 1000 Genomes Project 30x 0.01874.
gnomAD v4.1: 5,253 of 1,614,070 alleles (0.33%); highest among the groups gnomAD compares: African/African-American, 6.3%; 167 homozygotes.

Submissions (15):

Labcorp Genetics (formerly Invitae), Labcorp
Classification: Benign for Inborn genetic diseases; Ocular cystinosis; Juvenile nephropathic cystinosis. Last evaluated: 2026-02-01. Review status: criteria provided, single submitter. Criteria: Invitae Variant Classification Sherloc (09022015). Collection method: clinical testing. Allele origin: germline.

Mayo Clinic Laboratories, Mayo Clinic
Classification: Benign. Last evaluated: 2024-09-24. Review status: criteria provided, single submitter. Criteria: ACMG Guidelines, 2015. Collection method: clinical testing. Allele origin: germline. Observed: 11 variant alleles.
Comment: BA1, BS2, BP4

Department of Pathology and Laboratory Medicine, Sinai Health System
Classification: Benign for cystinosis. Last evaluated: 2023-04-19. Review status: criteria provided, single submitter. Criteria: ACMG Guidelines, 2015. Collection method: research. Allele origin: germline.

Women's Health and Genetics/Laboratory Corporation of America, LabCorp
Classification: Likely benign. Last evaluated: 2021-12-10. Review status: criteria provided, single submitter. Criteria: LabCorp Variant Classification Summary - May 2015. Collection method: clinical testing. Allele origin: germline.

Mendelics
Classification: Likely benign for Nephropathic cystinosis. Last evaluated: 2019-05-28. Review status: criteria provided, single submitter. Criteria: Mendelics Assertion Criteria 2017. Collection method: clinical testing. Allele origin: unknown.

GeneDx
Classification: Benign. Last evaluated: 2019-04-20. Review status: criteria provided, single submitter. Criteria: GeneDx Variant Classification Process June 2021. Collection method: clinical testing. Allele origin: germline. Affected: yes.
Comment: This variant is associated with the following publications: (PMID: 15128704, 10556299, 20981092, 24123366)

Illumina Laboratory Services, Illumina
Classification: Likely benign for Nephropathic cystinosis. Last evaluated: 2017-04-27. Review status: criteria provided, single submitter. Criteria: ICSL Variant Classification Criteria 13 December 2019. Collection method: clinical testing. Allele origin: germline.
Comment: This variant was observed as part of a predisposition screen in an ostensibly healthy population. A literature search was performed for the gene, cDNA change, and amino acid change (where applicable). Publications were found based on this search. The evidence from the literature, in combination with allele frequency data from public databases where available, was sufficient to determine this variant is unlikely to cause disease. Therefore, this variant is classified as likely benign.

Illumina Laboratory Services, Illumina
Classification: Likely benign for Ocular cystinosis. Last evaluated: 2017-04-27. Review status: criteria provided, single submitter. Criteria: ICSL Variant Classification Criteria 13 December 2019. Collection method: clinical testing. Allele origin: germline.
Comment: the same text as in the submission from Illumina Laboratory Services, Illumina above.

Center for Pediatric Genomic Medicine, Children's Mercy Hospital and Clinics
Classification: Benign. Last evaluated: 2016-10-11. Review status: criteria provided, single submitter. Criteria: ACMG Guidelines, 2015. Collection method: clinical testing. Allele origin: germline.

Breakthrough Genomics
Classification: Likely benign. Review status: criteria provided, single submitter. Criteria: ACMG Guidelines, 2015. Collection method: not provided. Allele origin: germline. Inheritance: Autosomal recessive inheritance. Affected: yes.

Natera, Inc.
Classification: Benign for Cystinosis. Last evaluated: 2020-09-16. Review status: no assertion criteria provided. Collection method: clinical testing. Allele origin: germline. Not counted in ClinVar's aggregate classification.

PreventionGenetics, part of Exact Sciences
Classification: Benign for CTNS-related condition. Last evaluated: 2019-07-01. Review status: no assertion criteria provided. Collection method: clinical testing. Allele origin: germline. Not counted in ClinVar's aggregate classification.
Comment: This variant is classified as benign based on ACMG/AMP sequence variant interpretation guidelines (Richards et al. 2015 PMID: 25741868, with internal and published modifications).

OMIM
Classification: Pathogenic for CYSTINOSIS, ATYPICAL NEPHROPATHIC. Last evaluated: 1999-12-01. Review status: no assertion criteria provided. Collection method: literature only. Allele origin: germline. Not counted in ClinVar's aggregate classification.

Genome Diagnostics Laboratory, University Medical Center Utrecht
Classification: Benign. Review status: no assertion criteria provided. Collection method: clinical testing. Allele origin: germline. Affected: yes. Study: VKGL Data-share Consensus. Not counted in ClinVar's aggregate classification.

Joint Genome Diagnostic Labs from Nijmegen and Maastricht, Radboudumc and MUMC+
Classification: Benign. Review status: no assertion criteria provided. Collection method: clinical testing. Allele origin: germline. Affected: yes. Study: VKGL Data-share Consensus. Not counted in ClinVar's aggregate classification.

Literature cited by the submitters: PubMed 15128704 (cited by Illumina Laboratory Services, Illumina); PubMed 25326109 (cited by Illumina Laboratory Services, Illumina); PubMed 24123366 (cited by Illumina Laboratory Services, Illumina); PubMed 10556299 (cited by Illumina Laboratory Services, Illumina and OMIM).